The following is an entry in ClinVar:

NM_001161417.2(GPR17):c.63G>A (p.Glu21=)

Genes: GPR17 (G protein-coupled receptor 17; plus strand), LIMS2 (LIM zinc finger domain containing 2; minus strand). Cytogenetic location: 2q14.3.
Variant type: single nucleotide variant.
Coding change: c.63G>A on transcript NM_001161417.2 (MANE Select); coding-DNA position 63, G replaced by A.
Protein change: p.Glu21=; no amino-acid change (glutamic acid 21 retained).
Molecular consequence: synonymous variant. On other transcripts: intron variant (4).
Genome position (GRCh38, 1-based): chr2:127,650,798, G>A. VCF-style: chr2-127650798-G-A. GRCh37 (hg19) VCF-style: chr2-128408372-G-A.
Other names: c.147G>A, p.Glu49= (NM_001161415.2, NM_005291.3); c.63G>A, p.Glu21= (NM_001161416.2); c.344+3626C>T (NM_001161404.2); c.359+3626C>T (NM_001161403.3); c.425+3626C>T (NM_001136037.4); c.431+3626C>T (NM_017980.5).
Identifiers: ClinVar variation 3905584 (VCV003905584.10).

ClinVar aggregate classification (germline): Likely benign (1 of 4 stars; one submission).

gnomAD v4.1: 14 of 1,612,910 alleles (0.00087%); highest among the groups gnomAD compares: Non-Finnish European, 0.0012%; no homozygotes.

Submission:

CeGaT Center for Human Genetics Tuebingen
Classification: Likely benign. Last evaluated: 2025-05-01. Review status: criteria provided, single submitter. Criteria: CeGaT Center For Human Genetics Tuebingen Variant Classification Criteria Version 2. Collection method: clinical testing. Allele origin: germline. Affected: yes. Observed: 1 variant allele.
Comment: GPR17: BP4, BP7